The following is an entry in ClinVar:

NM_001378373.1(MBL2):c.*1694G>T

Gene: MBL2 (mannose binding lectin 2; minus strand). Cytogenetic location: 10q21.1.
Variant type: single nucleotide variant.
Coding change: c.*1694G>T on transcript NM_001378373.1 (MANE Select); 1694 bases downstream of the stop codon, G replaced by T.
Molecular consequence: 3 prime UTR variant.
Genome position (GRCh38, 1-based): chr10:52,766,443, C>A on the plus strand (G>T on the coding strand, the complement: MBL2 is on the minus strand). VCF-style: chr10-52766443-C-A. GRCh37 (hg19) VCF-style: chr10-54526203-C-A.
Other names: c.*1694G>T (NM_000242.3, NM_001378374.1).
Identifiers: ClinVar variation 300123 (VCV000300123.30), dbSNP rs35327474, ClinGen allele CA10631787.

ClinVar aggregate classification (germline): Conflicting classifications of pathogenicity. Review status: criteria provided, conflicting classifications (1 of 4 stars). 3 submissions from 3 submitters: Uncertain significance (2); Benign (1). Last evaluated 2022-10-01.

Conditions:
Mannose-binding lectin deficiency. Also called: MBP DEFICIENCY; MBL DEFICIENCY; MBL2 DEFICIENCY; LECTIN COMPLEMENT ACTIVATION PATHWAY, DEFECT IN, 1; Chronic infections, due to MBL deficiency. Identifiers: MedGen C3280586, MONDO:0013714, OMIM 614372.

Allele frequency attached by ClinVar (database versions not stated): 1000 Genomes Project 0.00120; 1000 Genomes Project 30x 0.00172; TOPMed 0.00490; gnomAD 0.00526 and 0.00547.

Submissions (3):

CeGaT Center for Human Genetics Tuebingen
Classification: Benign. Last evaluated: 2022-10-01. Review status: criteria provided, single submitter. Criteria: CeGaT Center For Human Genetics Tuebingen Variant Classification Criteria Version 2. Collection method: clinical testing. Allele origin: germline. Affected: yes. Observed: 1 variant allele.
Comment: MBL2: BS1, BS2

Illumina Laboratory Services, Illumina
Classification: Uncertain significance for Mannose-binding lectin deficiency. Last evaluated: 2018-01-13. Review status: criteria provided, single submitter. Criteria: ICSL Variant Classification Criteria 13 December 2019. Collection method: clinical testing. Allele origin: germline.

Breakthrough Genomics
Classification: Uncertain significance. Review status: criteria provided, single submitter. Criteria: ACMG Guidelines, 2015. Collection method: not provided. Allele origin: germline. Inheritance: Autosomal dominant inheritance. Affected: yes.